The following is an entry in ClinVar:

NM_001042492.3(NF1):c.7284del (p.Lys2428fs)

Gene: NF1 (neurofibromin 1; plus strand). Cytogenetic location: 17q11.2.
Variant type: Deletion.
Coding change: c.7284del on transcript NM_001042492.3 (MANE Select); coding-DNA position 7284, one base deleted (A; older notation c.7284delA).
Protein change: p.Lys2428fs; shifts the reading frame from lysine 2428.
Molecular consequence: frameshift variant.
Genome position (GRCh38, 1-based): chr17:31,349,214, A deleted; the last of 3 consecutive A bases (chr17:31,349,212-31,349,214); deleting any one gives the same sequence. VCF-style (leftmost placement, unchanged base first): chr17-31349211-CA-C. GRCh37 (hg19) VCF-style: chr17-29676229-CA-C.
Other names: c.7221delA, p.Lys2407Asnfs (NM_000267.4); short protein forms K2407fs, K2428fs.
Identifiers: ClinVar variation 995190 (VCV000995190.1), dbSNP rs2070077334, ClinGen allele CA1139665472.

ClinVar aggregate classification (germline): Pathogenic (1 of 4 stars; one submission).

Submission:

Athena Diagnostics
Classification: Pathogenic. Last evaluated: 2020-02-12. Review status: criteria provided, single submitter. Criteria: Athena Diagnostics Criteria. Collection method: clinical testing. Allele origin: unknown.
Comment: The variant results in a shift of the reading frame, and is therefore predicted to result in the loss of a functional protein. Found in at least one patient with expected phenotype for this gene, and not found in general population data.